The following is an entry in ClinVar:

ClinVar aggregate classification (germline): Uncertain significance (1 of 4 stars; one submission).

Allele frequency attached by ClinVar (database versions not stated): gnomAD exomes below 0.00001.

Submission:

Labcorp Genetics (formerly Invitae), Labcorp
Classification: Uncertain significance. Last evaluated: 2024-08-13. Review status: criteria provided, single submitter. Criteria: Invitae Variant Classification Sherloc (09022015). Collection method: clinical testing. Allele origin: germline.
Comment: This sequence change falls in intron 28 of the COL9A3 gene. It does not directly change the encoded amino acid sequence of the COL9A3 protein. It affects a nucleotide within the consensus splice site. This variant is not present in population databases (gnomAD no frequency). This variant has not been reported in the literature in individuals affected with COL9A3-related conditions. ClinVar contains an entry for this variant (Variation ID: 1462273). Variants that disrupt the consensus splice site are a relatively common cause of aberrant splicing (PMID: 17576681, 9536098). Algorithms developed to predict the effect of sequence changes on RNA splicing suggest that this variant may disrupt the consensus splice site. In summary, the available evidence is currently insufficient to determine the role of this variant in disease. Therefore, it has been classified as a Variant of Uncertain Significance.

Literature cited by the submitters: PubMed 17576681; PubMed 9536098.

NM_001853.4(COL9A3):c.1548+3A>T

Genes: COL9A3 (collagen type IX alpha 3 chain; plus strand), LOC126863084 (MED14-independent group 3 enhancer GRCh37_chr20:61467141-61468340; plus strand). Cytogenetic location: 20q13.33.
Variant type: single nucleotide variant.
Coding change: c.1548+3A>T on transcript NM_001853.4 (MANE Select); 3 bases into the intron after coding-DNA position 1548, A replaced by T.
Molecular consequence: intron variant.
Genome position (GRCh38, 1-based): chr20:62,836,336, A>T. VCF-style: chr20-62836336-A-T. GRCh37 (hg19) VCF-style: chr20-61467688-A-T.
Identifiers: ClinVar variation 1462273 (VCV001462273.6), dbSNP rs2147227741, ClinGen allele CA2573157278.